The following is an entry in ClinVar:

NM_000156.6(GAMT):c.389A>C (p.Asp130Ala)

Gene: GAMT (guanidinoacetate N-methyltransferase; minus strand). Cytogenetic location: 19p13.3.
Variant type: single nucleotide variant.
Coding change: c.389A>C on transcript NM_000156.6 (MANE Select); coding-DNA position 389, A replaced by C.
Protein change: p.Asp130Ala; replaces aspartic acid 130 with alanine.
Molecular consequence: missense variant.
Genome position (GRCh38, 1-based): chr19:1,399,526, T>G on the plus strand (A>C on the coding strand, the complement: GAMT is on the minus strand). VCF-style: chr19-1399526-T-G. GRCh37 (hg19) VCF-style: chr19-1399525-T-G.
Other names: c.389A>C, p.Asp130Ala (NM_138924.3); short protein forms D130A.
Identifiers: ClinVar variation 1042434 (VCV001042434.10), dbSNP rs2082620621, ClinGen allele CA402995486.
Genomic context (GRCh38, chr19:1,399,526, plus strand): 5'-GAGGGGCTGCATTGGAGCTGGGGAGGCCCACCCTGTGATACGTCCCCTCACCCCTCACCA[T>G]CAAAGTGACCGTCAGGCAGGGTGGGTGCCACATCCTCCCACAGGCCTTTCAAGGGGATGA-3'
Protein context (NP_000147.1, residues 120-140): VAPTLPDGHF[Asp130Ala]GILYDTYPLS

ClinVar aggregate classification (germline): Uncertain significance (1 of 4 stars; one submission).

Conditions:
Cerebral creatine deficiency syndrome. Also called: Creatine deficiency syndromes. Identifiers: Orphanet 79172, MedGen C5244016, MONDO:0000456.

Allele frequency attached by ClinVar (database versions not stated): gnomAD exomes below 0.00001.
gnomAD v4.1: 1 of 1,612,676 alleles (0.000062%); no homozygotes.

Submission:

Labcorp Genetics (formerly Invitae), Labcorp
Classification: Uncertain significance for Cerebral creatine deficiency syndrome. Last evaluated: 2020-04-06. Review status: criteria provided, single submitter. Criteria: Invitae Variant Classification Sherloc (09022015). Collection method: clinical testing. Allele origin: germline.
Comment: This variant is not present in population databases (ExAC no frequency). This sequence change replaces aspartic acid with alanine at codon 130 of the GAMT protein (p.Asp130Ala). The aspartic acid residue is highly conserved and there is a moderate physicochemical difference between aspartic acid and alanine. This variant has not been reported in the literature in individuals with GAMT-related conditions. Algorithms developed to predict the effect of missense changes on protein structure and function are either unavailable or do not agree on the potential impact of this missense change (SIFT: "Deleterious"; PolyPhen-2: "Possibly Damaging"; Align-GVGD: "Class C0"). In summary, the available evidence is currently insufficient to determine the role of this variant in disease. Therefore, it has been classified as a Variant of Uncertain Significance.